The following is an entry in ClinVar:

NM_001145809.2(MYH14):c.36G>A (p.Lys12=)

Gene: MYH14 (myosin heavy chain 14; plus strand). Cytogenetic location: 19q13.33.
Variant type: single nucleotide variant.
Coding change: c.36G>A on transcript NM_001145809.2 (MANE Select); coding-DNA position 36, G replaced by A.
Protein change: p.Lys12=; no amino-acid change (lysine 12 retained).
Molecular consequence: synonymous variant.
Genome position (GRCh38, 1-based): chr19:50,210,401, G>A. VCF-style: chr19-50210401-G-A. GRCh37 (hg19) VCF-style: chr19-50713658-G-A.
Other names: c.36G>A, p.Lys12= (NM_001077186.2, NM_024729.4); c.36G>A (NM_001145809.1).
Identifiers: ClinVar variation 329904 (VCV000329904.18), dbSNP rs372741317, ClinGen allele CA9592177.

ClinVar aggregate classification (germline): Benign/Likely benign. Review status: criteria provided, multiple submitters, no conflicts (2 of 4 stars). 5 submissions from 5 submitters: Benign (1); Likely benign (3). 1 of the submissions does not count toward it. Last evaluated 2025-09-15.

Conditions:
MYH14-related disorder. Also called: MYH14-related condition.
Autosomal dominant nonsyndromic hearing loss 4A. Also called: Deafness, autosomal dominant 4A. Identifiers: Orphanet 90635, MedGen C1833503, MONDO:0010915, OMIM 600652.

Allele frequency attached by ClinVar (database versions not stated): gnomAD exomes 0.00008 and 0.00013; ESP Exome Variant Server 0.00020; ExAC 0.00038; gnomAD 0.00098 and 0.00100; TOPMed 0.00100; 1000 Genomes Project 0.00200; 1000 Genomes Project 30x 0.00203.
gnomAD v4.1: 279 of 1,578,718 alleles (0.018%); highest among the groups gnomAD compares: African/African-American, 0.35%; no homozygotes.

Submissions (5):

Labcorp Genetics (formerly Invitae), Labcorp
Classification: Benign. Last evaluated: 2025-09-15. Review status: criteria provided, single submitter. Criteria: Invitae Variant Classification Sherloc (09022015). Collection method: clinical testing. Allele origin: germline.

Blueprint Genetics
Classification: Likely benign. Last evaluated: 2023-03-21. Review status: criteria provided, single submitter. Criteria: ACMG Guidelines, 2015. Collection method: clinical testing. Allele origin: germline.

GeneDx
Classification: Likely benign. Last evaluated: 2021-08-31. Review status: criteria provided, single submitter. Criteria: GeneDx Variant Classification Process June 2021. Collection method: clinical testing. Allele origin: germline. Affected: yes.

Illumina Laboratory Services, Illumina
Classification: Likely benign for Autosomal dominant nonsyndromic hearing loss 4A. Last evaluated: 2018-01-12. Review status: criteria provided, single submitter. Criteria: ICSL Variant Classification Criteria 13 December 2019. Collection method: clinical testing. Allele origin: germline.
Comment: This variant was observed in the ICSL laboratory as part of a predisposition screen in an ostensibly healthy population. It had not been previously curated by ICSL or reported in the Human Gene Mutation Database (HGMD: prior to June 1st, 2018), and was therefore a candidate for classification through an automated scoring system. Utilizing variant allele frequency, disease prevalence and penetrance estimates, and inheritance mode, an automated score was calculated to assess if this variant is too frequent to cause the disease. Based on the score and internal cut-off values, a variant classified as likely benign is not then subjected to further curation. The score for this variant resulted in a classification of likely benign for this disease.

PreventionGenetics, part of Exact Sciences
Classification: Likely benign for MYH14-related condition. Last evaluated: 2019-07-11. Review status: no assertion criteria provided. Collection method: clinical testing. Allele origin: germline. Not counted in ClinVar's aggregate classification.
Comment: This variant is classified as likely benign based on ACMG/AMP sequence variant interpretation guidelines (Richards et al. 2015 PMID: 25741868, with internal and published modifications).